The following is an entry in ClinVar:

NM_000693.4(ALDH1A3):c.414dup (p.Arg139Ter)

Genes: ALDH1A3 (aldehyde dehydrogenase 1 family member A3; plus strand), ALDH1A3-AS1 (ALDH1A3 antisense RNA 1; minus strand). Cytogenetic location: 15q26.3.
Variant type: Duplication.
Coding change: c.414dup on transcript NM_000693.4 (MANE Select); coding-DNA position 414, one base duplicated (T; older notation c.414dupT).
Protein change: p.Arg139Ter; replaces arginine 139 with a stop codon.
Molecular consequence: nonsense. On other transcripts: non-coding transcript variant (1), intron variant (1).
Genome position (GRCh38, 1-based): chr15:100,892,578, T duplicated; the last of 2 consecutive T bases (chr15:100,892,577-100,892,578); duplicating either gives the same sequence. VCF-style (leftmost placement, unchanged base first): chr15-100892576-A-AT. GRCh37 (hg19) VCF-style: chr15-101432781-A-AT.
Other names: c.346-3355dup (NM_001293815.2); short protein forms R139*.
Identifiers: ClinVar variation 4857196 (VCV004857196.1).

ClinVar aggregate classification (germline): Pathogenic (1 of 4 stars; one submission).

Conditions:
Structural eye disease.

Submission:

Genetics Laboratory, Great Ormond Street Hospital NHS Foundation Trust, North Thames Genomic Laboratory Hub
Classification: Pathogenic for Structural eye disease. Last evaluated: 2026-04-30. Review status: criteria provided, single submitter. Criteria: ACGS Best Practice Guidelines for Variant Classification in Rare Disease 2024 v1.2. Collection method: clinical testing. Allele origin: germline. Affected: yes.
Comment: PM2_moderate, PVS1_very-strong, PM3_supporting